The following is an entry in ClinVar:

NM_001267550.2(TTN):c.22432A>G (p.Ile7478Val)

Gene: TTN (titin; minus strand). Cytogenetic location: 2q31.2.
Variant type: single nucleotide variant.
Coding change: c.22432A>G on transcript NM_001267550.2 (MANE Select); coding-DNA position 22432, A replaced by G.
Protein change: p.Ile7478Val; replaces isoleucine 7478 with valine.
Molecular consequence: missense variant. On other transcripts: intron variant (3).
Genome position (GRCh38, 1-based): chr2:178,722,355, T>C on the plus strand (A>G on the coding strand, the complement: TTN is on the minus strand). VCF-style: chr2-178722355-T-C. GRCh37 (hg19) VCF-style: chr2-179587082-T-C.
Other names: c.21481A>G, p.Ile7161Val (NM_001256850.1); c.18700A>G, p.Ile6234Val (NM_133378.4); c.13282+15727A>G (NM_003319.4); c.13858+15727A>G (NM_133437.4); c.13657+15727A>G (NM_133432.3); short protein forms I7478V, I6234V, I7161V.
Identifiers: ClinVar variation 466906 (VCV000466906.9), dbSNP rs1191020503, ClinGen allele CA349526220.

ClinVar aggregate classification (germline): Uncertain significance. Review status: criteria provided, multiple submitters, no conflicts (2 of 4 stars). 4 submissions from 4 submitters: Uncertain significance (4). Last evaluated 2025-05-23.

Conditions:
TTN-related disorder. Also called: TTN-related condition; TTN-related disease; TTN-related disorders.
Autosomal recessive limb-girdle muscular dystrophy type 2J (LGMDR10). Also called: Limb-girdle muscular dystrophy, type 2J; MUSCULAR DYSTROPHY, LIMB-GIRDLE, AUTOSOMAL RECESSIVE 10. Identifiers: Orphanet 140922, MedGen C1837342, MONDO:0012127, OMIM 608807.
Dilated cardiomyopathy 1G (CMD1G). Identifiers: Orphanet 154, MedGen C1858763, MONDO:0011400, OMIM 604145.

Allele frequency attached by ClinVar (database versions not stated): gnomAD exomes 0.00001; gnomAD 0.00002; TOPMed 0.00002.
gnomAD v4.1: 10 of 1,613,162 alleles (0.00062%); highest among the groups gnomAD compares: Non-Finnish European, 0.00085%; no homozygotes.

Submissions (4):

PreventionGenetics, part of Exact Sciences
Classification: Uncertain significance for TTN-related condition. Last evaluated: 2025-05-23. Review status: criteria provided, single submitter. Criteria: ACMG Guidelines, 2015. Collection method: clinical testing. Allele origin: germline.
Comment: The TTN c.22432A>G variant is predicted to result in the amino acid substitution p.Ile7478Val. To our knowledge, this variant has not been reported in the literature. This variant is reported in 0.019% of alleles in individuals of European (Non-Finnish) descent in gnomAD. At this time, the clinical significance of this variant is uncertain due to the absence of conclusive functional and genetic evidence.

Women's Health and Genetics/Laboratory Corporation of America, LabCorp
Classification: Uncertain significance. Last evaluated: 2025-04-03. Review status: criteria provided, single submitter. Criteria: LabCorp Variant Classification Summary - May 2015. Collection method: clinical testing. Allele origin: germline.

Revvity Omics, Revvity
Classification: Uncertain significance. Last evaluated: 2021-12-01. Review status: criteria provided, single submitter. Criteria: ACMG Guidelines, 2015. Collection method: clinical testing. Allele origin: germline.

Labcorp Genetics (formerly Invitae), Labcorp
Classification: Uncertain significance for Dilated cardiomyopathy 1G; Autosomal recessive limb-girdle muscular dystrophy type 2J. Last evaluated: 2017-06-15. Review status: criteria provided, single submitter. Criteria: Invitae Variant Classification Sherloc (09022015). Collection method: clinical testing. Allele origin: germline.